The following is an entry in ClinVar:

NM_152564.5(VPS13B):c.2824G>A (p.Gly942Ser)

Gene: VPS13B (vacuolar protein sorting 13 homolog B; plus strand). Cytogenetic location: 8q22.2.
Variant type: single nucleotide variant.
Coding change: c.2824G>A on transcript NM_152564.5 (MANE Select); coding-DNA position 2824, G replaced by A.
Protein change: p.Gly942Ser; replaces glycine 942 with serine.
Molecular consequence: missense variant.
Genome position (GRCh38, 1-based): chr8:99,275,254, G>A. VCF-style: chr8-99275254-G-A. GRCh37 (hg19) VCF-style: chr8-100287482-G-A.
Other names: c.2824G>A (NM_017890.3, NM_152564.4); c.2824G>A, p.Gly942Ser (NM_017890.5); short protein forms G942S.
Identifiers: ClinVar variation 952641 (VCV000952641.9), dbSNP rs370336663, ClinGen allele CA4823027.

ClinVar aggregate classification (germline): Uncertain significance. Review status: criteria provided, multiple submitters, no conflicts (2 of 4 stars). 4 submissions from 4 submitters: Uncertain significance (2). 2 of the submissions do not count toward it. Last evaluated 2025-10-21.

Conditions:
Cohen syndrome (COH1). Also called: PEPPER SYNDROME; Cutis verticis gyrata, retinitis pigmentosa, and sensorineural deafness. Identifiers: Orphanet 193, MedGen C0265223, MONDO:0008999, OMIM 216550.
VPS13B-related disorder. Also called: VPS13B-related condition.
Inborn genetic diseases. Identifiers: MedGen C0950123, MeSH D030342.

Allele frequency attached by ClinVar (database versions not stated): ExAC 0.00001; gnomAD exomes 0.00001 and 0.00003; gnomAD 0.00003 and 0.00004; ESP Exome Variant Server 0.00008.
gnomAD v4.1: 46 of 1,607,630 alleles (0.0029%); highest among the groups gnomAD compares: African/African-American, 0.0068%; no homozygotes.

Submissions (4):

Labcorp Genetics (formerly Invitae), Labcorp
Classification: Uncertain significance for Cohen syndrome. Last evaluated: 2025-10-21. Review status: criteria provided, single submitter. Criteria: Invitae Variant Classification Sherloc (09022015). Collection method: clinical testing. Allele origin: germline.
Comment: This sequence change replaces glycine, which is neutral and non-polar, with serine, which is neutral and polar, at codon 942 of the VPS13B protein (p.Gly942Ser). This variant also falls at the last nucleotide of exon 19, which is part of the consensus splice site for this exon. This variant is present in population databases (rs370336663, gnomAD 0.008%). This variant has not been reported in the literature in individuals affected with VPS13B-related conditions. ClinVar contains an entry for this variant (Variation ID: 952641). An algorithm developed to predict the effect of missense changes on protein structure and function outputs the following: PolyPhen-2: "Probably Damaging". The serine amino acid residue is found in multiple mammalian species, which suggests that this missense change does not adversely affect protein function. Variants that disrupt the consensus splice site are a relatively common cause of aberrant splicing (PMID: 17576681, 9536098). In summary, the available evidence is currently insufficient to determine the role of this variant in disease. Therefore, it has been classified as a Variant of Uncertain Significance.

Ambry Genetics
Classification: Uncertain significance for Inborn genetic diseases. Last evaluated: 2021-06-22. Review status: criteria provided, single submitter. Criteria: Ambry Variant Classification Scheme 2023. Collection method: clinical testing. Allele origin: germline.

PreventionGenetics, part of Exact Sciences
Classification: Uncertain significance for VPS13B-related condition. Last evaluated: 2024-07-01. Review status: no assertion criteria provided. Collection method: clinical testing. Allele origin: germline. Not counted in ClinVar's aggregate classification.
Comment: The VPS13B c.2824G>A variant is predicted to result in the amino acid substitution p.Gly942Ser. This variant also modifies the final nucleotide of exon 19, and is predicted to modestly reduce the efficiency of splicing (Alamut Visual v2.11). To our knowledge, this variant has not been reported in the literature. This variant is reported in 0.0081% of alleles in individuals of African descent in gnomAD. At this time, the clinical significance of this variant is uncertain due to the absence of conclusive functional and genetic evidence.

Natera, Inc.
Classification: Uncertain significance for Cohen syndrome. Last evaluated: 2020-09-30. Review status: no assertion criteria provided. Collection method: clinical testing. Allele origin: germline. Not counted in ClinVar's aggregate classification.

Literature cited by the submitters: PubMed 17576681 (cited by Labcorp Genetics (formerly Invitae), Labcorp); PubMed 9536098 (cited by Labcorp Genetics (formerly Invitae), Labcorp).